The following is an entry in ClinVar:

NM_004991.4(MECOM):c.2720A>G (p.Asn907Ser)

Gene: MECOM (MDS1 and EVI1 complex locus; minus strand). Cytogenetic location: 3q26.2.
Variant type: single nucleotide variant.
Coding change: c.2720A>G on transcript NM_004991.4 (MANE Select); coding-DNA position 2720, A replaced by G.
Protein change: p.Asn907Ser; replaces asparagine 907 with serine.
Molecular consequence: missense variant.
Genome position (GRCh38, 1-based): chr3:169,102,111, T>C on the plus strand (A>G on the coding strand, the complement: MECOM is on the minus strand). VCF-style: chr3-169102111-T-C. GRCh37 (hg19) VCF-style: chr3-168819899-T-C.
Other names: c.2351A>G, p.Asn784Ser (NM_001105077.4); c.2156A>G, p.Asn719Ser (NM_001105078.4, NM_001205194.2, NM_001366469.2 and 1 more transcripts); c.2132A>G, p.Asn711Ser (NM_001163999.2, NM_001366470.2); c.2129A>G, p.Asn710Ser (NM_001164000.2, NM_001366471.2, NM_001366472.2); c.2693A>G, p.Asn898Ser (NM_001366466.2); c.2159A>G, p.Asn720Ser (NM_001366467.2, NM_001366468.2); c.1721A>G, p.Asn574Ser (NM_001366473.2); c.1157A>G, p.Asn386Ser (NM_001366474.2); short protein forms N386S, N574S, N710S, N719S, N784S, N898S, N907S, N720S.
Identifiers: ClinVar variation 1945706 (VCV001945706.5), dbSNP rs754948581, ClinGen allele CA2696061.

ClinVar aggregate classification (germline): Uncertain significance (1 of 4 stars; one submission).

Allele frequency attached by ClinVar (database versions not stated): ExAC 0.00001; gnomAD 0.00003; TOPMed 0.00003; 1000 Genomes Project 30x 0.00031.
gnomAD v4.1: 60 of 1,613,784 alleles (0.0037%); highest among the groups gnomAD compares: Non-Finnish European, 0.0046%; no homozygotes.

Submission:

Labcorp Genetics (formerly Invitae), Labcorp
Classification: Uncertain significance. Last evaluated: 2026-02-01. Review status: criteria provided, single submitter. Criteria: Invitae Variant Classification Sherloc (09022015). Collection method: clinical testing. Allele origin: germline.
Comment: This sequence change replaces asparagine, which is neutral and polar, with serine, which is neutral and polar, at codon 719 of the MECOM protein (p.Asn719Ser). This variant is present in population databases (rs754948581, gnomAD 0.004%). This variant has not been reported in the literature in individuals affected with MECOM-related conditions. ClinVar contains an entry for this variant (Variation ID: 1945706). An algorithm developed to predict the effect of missense changes on protein structure and function outputs the following: PolyPhen-2: "Benign". The serine amino acid residue is found in multiple mammalian species, which suggests that this missense change does not adversely affect protein function. In summary, the available evidence is currently insufficient to determine the role of this variant in disease. Therefore, it has been classified as a Variant of Uncertain Significance.